The following is an entry in ClinVar:

ClinVar aggregate classification (germline): Pathogenic (1 of 4 stars; one submission).

Conditions:
Myopathy, proximal, and ophthalmoplegia (CMYO6). Also called: MYOPATHY WITH CONGENITAL JOINT CONTRACTURES, OPHTHALMOPLEGIA, AND RIMMED VACUOLES; CONGENITAL MYOPATHY 6 WITH OPHTHALMOPLEGIA; INCLUSION BODY MYOPATHY 3, AUTOSOMAL DOMINANT. Identifiers: Orphanet 363677, Orphanet 79091, MedGen C1854106, MONDO:0011577, OMIM 605637.

Submission:

Labcorp Genetics (formerly Invitae), Labcorp
Classification: Pathogenic for Myopathy, proximal, and ophthalmoplegia. Last evaluated: 2025-10-01. Review status: criteria provided, single submitter. Criteria: Invitae Variant Classification Sherloc (09022015). Collection method: clinical testing. Allele origin: germline.
Comment: This sequence change creates a premature translational stop signal (p.Val897Phefs*18) in the MYH2 gene. It is expected to result in an absent or disrupted protein product. Loss-of-function variants in MYH2 are known to be pathogenic (PMID: 20418530, 23388406, 24193343). This variant is not present in population databases (gnomAD no frequency). This variant has not been reported in the literature in individuals affected with MYH2-related conditions. For these reasons, this variant has been classified as Pathogenic.

Literature cited by the submitters: PubMed 20418530; PubMed 23388406; PubMed 24193343.

NM_017534.6(MYH2):c.2688del (p.Val897fs)

Genes: MYHAS (myosin heavy chain gene cluster antisense RNA; plus strand), MYH2 (myosin heavy chain 2; minus strand). Cytogenetic location: 17p13.1.
Variant type: Deletion.
Coding change: c.2688del on transcript NM_017534.6 (MANE Select); coding-DNA position 2688, one base deleted (A; older notation c.2688delA).
Protein change: p.Val897fs; shifts the reading frame from valine 897.
Molecular consequence: frameshift variant.
Genome position (GRCh38, 1-based): chr17:10,531,642, T deleted on the plus strand (A on the coding strand, the reverse complement: MYH2 is on the minus strand); the first of 2 consecutive T bases (chr17:10,531,642-10,531,643); deleting either gives the same sequence. VCF-style (leftmost placement, unchanged base first): chr17-10531641-CT-C. GRCh37 (hg19) VCF-style: chr17-10434958-CT-C.
Other names: c.2688del, p.Val897fs (NM_001100112.2); short protein forms V897fs.
Identifiers: ClinVar variation 4726281 (VCV004726281.1).
Genomic context (GRCh38, chr17:10,531,641, plus strand): 5'-TTCTAGCACCTGCATCCTGGTTAGTGATACCAAGGGTGATATTCCAACTCACAGCCTGAA[CT>C]TGGAGCTGCAAGTCATTTTTTTCTTTCAACAGCGTCACCATCTTTTCTTCCAGTTCCTTC-3'